The following is an entry in ClinVar:

ClinVar aggregate classification (germline): Uncertain significance. Review status: criteria provided, multiple submitters, no conflicts (2 of 4 stars). 2 submissions from 2 submitters: Uncertain significance (2). Last evaluated 2025-12-09.

Conditions:
Inborn genetic diseases. Identifiers: MedGen C0950123, MeSH D030342.

Allele frequency attached by ClinVar (database versions not stated): gnomAD 0.00001.
gnomAD v4.1: 6 of 1,416,242 alleles (0.00042%); highest among the groups gnomAD compares: Admixed American, 0.0096%; no homozygotes.

Submissions (2):

Ambry Genetics
Classification: Uncertain significance for Inborn genetic diseases. Last evaluated: 2025-12-09. Review status: criteria provided, single submitter. Criteria: Ambry Variant Classification Scheme 2023. Collection method: clinical testing. Allele origin: germline.

Labcorp Genetics (formerly Invitae), Labcorp
Classification: Uncertain significance. Last evaluated: 2022-05-25. Review status: criteria provided, single submitter. Criteria: Invitae Variant Classification Sherloc (09022015). Collection method: clinical testing. Allele origin: germline.
Comment: In summary, the available evidence is currently insufficient to determine the role of this variant in disease. Therefore, it has been classified as a Variant of Uncertain Significance. Algorithms developed to predict the effect of missense changes on protein structure and function are either unavailable or do not agree on the potential impact of this missense change (SIFT: "Deleterious"; PolyPhen-2: "Probably Damaging"; Align-GVGD: "Class C0"). This variant has not been reported in the literature in individuals affected with MRPS34-related conditions. This variant is not present in population databases (gnomAD no frequency). This sequence change replaces arginine, which is basic and polar, with proline, which is neutral and non-polar, at codon 17 of the MRPS34 protein (p.Arg17Pro).

NM_023936.2(MRPS34):c.50G>C (p.Arg17Pro)

Genes: EME2 (essential meiotic structure-specific endonuclease subunit 2; plus strand), MRPS34 (mitochondrial ribosomal protein S34; minus strand), LOC130058184 (ATAC-STARR-seq lymphoblastoid active region 10237; plus strand). Cytogenetic location: 16p13.3.
Variant type: single nucleotide variant.
Coding change: c.50G>C on transcript NM_023936.2 (MANE Select); coding-DNA position 50, G replaced by C.
Protein change: p.Arg17Pro; replaces arginine 17 with proline.
Molecular consequence: missense variant. On other transcripts: 5 prime UTR variant (1).
Genome position (GRCh38, 1-based): chr16:1,773,070, C>G on the plus strand (G>C on the coding strand, the complement: MRPS34 is on the minus strand). VCF-style: chr16-1773070-C-G. GRCh37 (hg19) VCF-style: chr16-1823071-C-G.
Other names: c.-158C>G (NM_001257370.2); c.50G>C, p.Arg17Pro (NM_001300900.2); short protein forms R17P.
Identifiers: ClinVar variation 1930984 (VCV001930984.7), dbSNP rs1442786416, ClinGen allele CA394244500.